The following is an entry in ClinVar:

NM_000535.7(PMS2):c.2294C>A (p.Ala765Asp)

Gene: PMS2 (PMS1 homolog 2, mismatch repair system component; minus strand). Cytogenetic location: 7p22.1.
Variant type: single nucleotide variant.
Coding change: c.2294C>A on transcript NM_000535.7 (MANE Select); coding-DNA position 2294, C replaced by A.
Protein change: p.Ala765Asp; replaces alanine 765 with aspartic acid.
Molecular consequence: missense variant. On other transcripts: intron variant (2).
Genome position (GRCh38, 1-based): chr7:5,977,739, G>T on the plus strand (C>A on the coding strand, the complement: PMS2 is on the minus strand). VCF-style: chr7-5977739-G-T. GRCh37 (hg19) VCF-style: chr7-6017370-G-T.
Other names: c.1889C>A, p.Ala630Asp (NM_001018040.1, NM_001322003.2, NM_001322004.2 and 12 more transcripts); c.2138C>A, p.Ala713Asp (NM_001322006.2); c.1976C>A, p.Ala659Asp (NM_001322007.2, NM_001322008.2, NM_001406883.1); c.1922C>A, p.Ala641Asp (NM_001322009.2, NM_001406887.1, NM_001406888.1); c.1733C>A, p.Ala578Asp (NM_001322010.2, NM_001406906.1, NM_001406907.1); c.1361C>A, p.Ala454Asp (NM_001322011.2, NM_001322012.2); c.1721C>A, p.Ala574Asp (NM_001322013.2, NM_001406908.1, NM_001406909.1); c.2327C>A, p.Ala776Asp (NM_001322014.2); and 20 more; short protein forms A603D, A659D, A662D, A670D, A724D, A454D, A508D, A594D.
Identifiers: ClinVar variation 2451607 (VCV002451607.3), dbSNP rs1295232723, ClinGen allele CA366736108.
Genomic context (GRCh38, chr7:5,977,739, plus strand): 5'-TCATCGACGTCCTGGGGTCCGAAGGTCCAGTTTTTACTAGTTGGCAAGGAAATCAGTTTA[G>T]CCCTTTCAGTGACTGGAGCTAAAAGAATACAATTTTGAGAAAAATCCATGACTTGACAAA-3'
Protein context (NP_000526.2, residues 755-775): IDENAPVTER[Ala765Asp]KLISLPTSKN

ClinVar aggregate classification (germline): Uncertain significance. Review status: criteria provided, multiple submitters, no conflicts (2 of 4 stars). 2 submissions from 2 submitters: Uncertain significance (2). Last evaluated 2025-02-12.

Conditions:
Hereditary cancer-predisposing syndrome. Also called: Neoplastic Syndromes, Hereditary; Tumor predisposition; Hereditary neoplastic syndrome; Hereditary Cancer Syndrome. Identifiers: Orphanet 140162, MedGen C0027672, MeSH D009386, MONDO:0015356.
Hereditary nonpolyposis colorectal neoplasms. Identifiers: MedGen C0009405, MeSH D003123.

Submissions (2):

Labcorp Genetics (formerly Invitae), Labcorp
Classification: Uncertain significance for Hereditary nonpolyposis colorectal neoplasms. Last evaluated: 2025-02-12. Review status: criteria provided, single submitter. Criteria: Invitae Variant Classification Sherloc (09022015). Collection method: clinical testing. Allele origin: germline.
Comment: This sequence change replaces alanine, which is neutral and non-polar, with aspartic acid, which is acidic and polar, at codon 765 of the PMS2 protein (p.Ala765Asp). The frequency data for this variant in the population databases (gnomAD) is considered unreliable due to the presence of homologous sequence, such as pseudogenes or paralogs, in the genome. This variant has not been reported in the literature in individuals affected with PMS2-related conditions. ClinVar contains an entry for this variant (Variation ID: 2451607). Invitae Evidence Modeling incorporating data from in vitro experimental studies (internal data) indicates that this missense variant is not expected to disrupt PMS2 function with a negative predictive value of 95%. In summary, the available evidence is currently insufficient to determine the role of this variant in disease. Therefore, it has been classified as a Variant of Uncertain Significance.

Ambry Genetics
Classification: Uncertain significance for Hereditary cancer-predisposing syndrome. Last evaluated: 2023-01-17. Review status: criteria provided, single submitter. Criteria: Ambry Variant Classification Scheme 2023. Collection method: clinical testing. Allele origin: germline.
Comment: The p.A765D variant (also known as c.2294C>A), located in coding exon 14 of the PMS2 gene, results from a C to A substitution at nucleotide position 2294. The alanine at codon 765 is replaced by aspartic acid, an amino acid with dissimilar properties. This amino acid position is conserved. In addition, the in silico prediction for this alteration is inconclusive. Since supporting evidence is limited at this time, the clinical significance of this alteration remains unclear.